The following is an entry in ClinVar:

ClinVar aggregate classification (germline): Conflicting classifications of pathogenicity. Review status: criteria provided, conflicting classifications (1 of 4 stars). 8 submissions from 8 submitters: Pathogenic (1); Likely pathogenic (6); Uncertain significance (1). Last evaluated 2026-06-30.

Conditions:
Familial cancer of breast. Also called: Hereditary breast cancer; hereditary breast carcinoma; BREAST CANCER, FAMILIAL. Identifiers: Orphanet 227535, MedGen C0346153, MONDO:0016419, OMIM 114480. Disease mechanism: loss of function.
ATM-related cancer predisposition. Also called: ATM-related cancer susceptibility. Identifiers: MedGen CN377759, MONDO:0700270.
ATM-related disorder. Also called: ATM-related disorders; ATM-related condition.
Hereditary cancer-predisposing syndrome. Also called: Hereditary neoplastic syndrome; Neoplastic Syndromes, Hereditary; Tumor predisposition; Hereditary Cancer Syndrome. Identifiers: Orphanet 140162, MedGen C0027672, MeSH D009386, MONDO:0015356.
Ataxia-telangiectasia syndrome (AT). Also called: Ataxia telangiectasia (A-T); LOUIS-BAR SYNDROME; Cerebello-oculocutaneous telangiectasia; Immunodeficiency with ataxia telangiectasia; Ataxia-telangiectasia, complementation group D; AT, COMPLEMENTATION GROUP C. Identifiers: Orphanet 100, MedGen C0004135, MONDO:0008840, OMIM 208900.

Allele frequency attached by ClinVar (database versions not stated): gnomAD exomes 0.00001.
gnomAD v4.1: 8 of 1,261,184 alleles (0.00063%); highest among the groups gnomAD compares: Non-Finnish European, 0.00078%; no homozygotes.

Submissions (8):

PreventionGenetics, part of Exact Sciences
Classification: Likely pathogenic for ATM-related condition. Last evaluated: 2026-06-30. Review status: criteria provided, single submitter. Criteria: ACMG Guidelines, 2015. Collection method: clinical testing. Allele origin: germline.
Comment: The ATM c.5763-1056G>A variant is predicted to interfere with splicing. This variant has been reported in an individual with breast cancer (Dragoš et al. 2022. PubMed ID: 35806449) and in an individual with high-grade glioma (Cheaney II et al. 2026. PubMed ID: 41878701). This variant is predicted to alter splicing based on available splicing prediction programs (SpliceAI, Jaganathan et al. 2019. PubMed ID: 30661751). RNAseq studies show this variant results aberrant splicing with the inclusion of pseudoexon(s) from intron 38, which are predicted to result in a frameshift and premature stop codon, though full-length transcripts are also produced (Dragoš et al. 2022. PubMed ID: 35806449; Figure S1 and S2, Gulsuner et al. 2024. PubMed ID: 39271294). This variant is reported in 0.0021% of alleles in individuals of European (non-Finnish) descent in gnomAD and has conflicting interpretations listed in ClinVar, ranging from uncertain to pathogenic (Variation ID: 1696413). This variant is interpreted as likely pathogenic.

CeGaT Center for Human Genetics Tuebingen
Classification: Likely pathogenic. Last evaluated: 2026-03-01. Review status: criteria provided, single submitter. Criteria: CeGaT Center For Human Genetics Tuebingen Variant Classification Criteria Version 2. Collection method: clinical testing. Allele origin: germline. Affected: yes. Observed: 3 variant alleles.
Comment: ATM: PVS1:Strong, PM2, PS4:Moderate

Labcorp Genetics (formerly Invitae), Labcorp
Classification: Pathogenic for Ataxia-telangiectasia syndrome. Last evaluated: 2025-12-31. Review status: criteria provided, single submitter. Criteria: Invitae Variant Classification Sherloc (09022015). Collection method: clinical testing. Allele origin: germline.
Comment: This sequence change falls in intron 38 of the ATM gene. It does not directly change the encoded amino acid sequence of the ATM protein. RNA analysis indicates that this variant induces altered splicing and may result in an absent or altered protein product. This variant is present in population databases (no rsID available, gnomAD 0.002%). This variant has been observed in individual(s) with breast cancer (PMID: 35806449). ClinVar contains an entry for this variant (Variation ID: 1696413). Studies have shown that this variant results in activation of a cryptic splice site, and produces a non-functional protein and/or introduces a premature termination codon (PMID: 35806449; internal data). For these reasons, this variant has been classified as Pathogenic.

Institute of Medical Genetics and Applied Genomics, University Hospital Tübingen
Classification: Likely pathogenic for Familial cancer of breast. Last evaluated: 2025-05-14. Review status: criteria provided, single submitter. Criteria: ACMG Guidelines, 2015. Collection method: clinical testing. Allele origin: germline. Inheritance: Autosomal dominant inheritance. Affected: yes.

GeneDx
Classification: Likely pathogenic. Last evaluated: 2025-03-07. Review status: criteria provided, single submitter. Criteria: GeneDx Variant Classification Process June 2021. Collection method: clinical testing. Allele origin: germline. Affected: yes.
Comment: RNA studies demonstrate a damaging effect whereby c.5763-1056G>A results in pseudoexon inclusion and the creation of a premature stop codon (PMID: 35806449); Reported in a patient with a personal history of bilateral breast cancer and a family history of gastric cancer and uterine cancer (PMID: 35806449); Not observed at significant frequency in large population cohorts (gnomAD); In silico analysis suggests this variant may impact gene splicing. In the absence of RNA/functional studies, the actual effect of this sequence change is unknown.; This variant is associated with the following publications: (PMID: 35806449)

Ambry Genetics
Classification: Likely pathogenic for Hereditary cancer-predisposing syndrome. Last evaluated: 2025-01-03. Review status: criteria provided, single submitter. Criteria: Ambry Variant Classification Scheme 2023. Collection method: clinical testing. Allele origin: germline.
Comment: The c.5763-1056G>A intronic variant results from a G to A substitution 1056 nucleotides upstream from coding exon 38 in the ATM gene. This nucleotide position is well conserved in available vertebrate species. In silico splice site analysis predicts that this alteration may result in the creation or strengthening of a novel splice donor site. RNA studies have demonstrated that this alteration results in abnormal splicing in the set of samples tested (Ambry internal data). Another alteration impacting the same cryptic donor site (c.5763-1050A>G) has been shown to have a similar impact on splicing (McConville CM et al. Am. J. Hum. Genet. 1996 Aug;59:320-30; Stewart GS et al. J. Biol. Chem. 2001 Aug 10;276:30133-41; Ambry internal data) and has been observed in multiple ataxia telangiectasia (AT) cohorts in both the homozygous and compound heterozygous state (McConville CM et al. Am. J. Hum. Genet. 1996 Aug;59:320-30; Stankovic T et al. Am. J. Hum. Genet. 1998 Feb;62:334-45; Teraoka SN et al. Am. J. Hum. Genet. 1999 Jun;64:1617-31; Sutton IJ et al. Ann. Neurol. 2004 Jun;55:891-5; Pritzlaff M et al. Breast Cancer Res. Treat. 2017 02;161(3):575-586). Based on the majority of available evidence to date, this variant is likely to be pathogenic.

Institute for Genomic Medicine (IGM) Clinical Laboratory, Nationwide Children's Hospital
Classification: Likely pathogenic for ATM-related cancer predisposition. Last evaluated: 2024-12-18. Review status: criteria provided, single submitter. Criteria: ACMG Guidelines, 2015. Collection method: clinical testing. Allele origin: germline.
Comment: Well-established functional studies have demonstrated this variant to have a damaging effect on protein function or splicing (ACMG/AMP: PS3). This variant has been reported at an elevated frequency in affected individuals/in multiple affected individuals in the literature (ACMG/AMP: PS4_Supporting; PMID:35806449). This variant is absent from or present at an exceedingly low frequency in gnomAD, a large-scale control population database (ACMG/AMP: PM2).

Department of Molecular Diagnostics, Institute of Oncology Ljubljana
Classification: Uncertain significance for Familial cancer of breast. Last evaluated: 2022-05-15. Review status: criteria provided, single submitter. Criteria: ACMG Guidelines, 2015. Collection method: clinical testing. Allele origin: germline. Affected: yes.
Comment: ATM:c.5763-1056G>A variant is present in 0.00078% in the large population studies (GnomAd). The deep intronic variant is predicted to strengthen a cryptic donor splice site in intron 38 by in silico splicing tools. Functional RNA study has shown that the variant causes a splicing aberration - pseudoexon inclusion, causing the creation of a premature stop codon (PMID: 35806449). Since it has not been established whether the variant causes complete or incomplete splicing aberration, the variant was classified as variant of uncertain significance (ACMG/AMP: PM2-supp, PP3, PS3-m)

Literature cited by the submitters: PubMed 35806449 (cited by 3 submitters).

NM_000051.4(ATM):c.5763-1056G>A

Genes: ATM (ATM serine/threonine kinase; plus strand), C11orf65 (chromosome 11 open reading frame 65; minus strand). Cytogenetic location: 11q22.3.
Variant type: single nucleotide variant.
Coding change: c.5763-1056G>A on transcript NM_000051.4 (MANE Select); 1056 bases into the intron before coding-DNA position 5763, G replaced by A.
Molecular consequence: intron variant.
Genome position (GRCh38, 1-based): chr11:108,309,104, G>A. VCF-style: chr11-108309104-G-A. GRCh37 (hg19) VCF-style: chr11-108179831-G-A.
Other names: c.5763-1056G>A (NM_001351834.2); c.641-33C>T (NM_001330368.2); c.*39-33C>T (NM_001351110.2).
Identifiers: ClinVar variation 1696413 (VCV001696413.22), dbSNP rs1325461375, ClinGen allele CA601723677.